The following is an entry in ClinVar:

ClinVar aggregate classification (germline): Likely pathogenic (1 of 4 stars; one submission).

Conditions:
Charcot-Marie-Tooth disease type 4. Also called: Charcot-Marie-Tooth, Type 4; Charcot-Marie-Tooth disease, type IV. Identifiers: Orphanet 64749, MedGen C4082197, MONDO:0018995.

Submission:

Labcorp Genetics (formerly Invitae), Labcorp
Classification: Likely pathogenic for Charcot-Marie-Tooth disease type 4. Last evaluated: 2023-08-07. Review status: criteria provided, single submitter. Criteria: Invitae Variant Classification Sherloc (09022015). Collection method: clinical testing. Allele origin: germline.
Comment: In summary, the currently available evidence indicates that the variant is pathogenic, but additional data are needed to prove that conclusively. Therefore, this variant has been classified as Likely Pathogenic. Algorithms developed to predict the effect of sequence changes on RNA splicing suggest that this variant may disrupt the consensus splice site. This variant has not been reported in the literature in individuals affected with SBF2-related conditions. This variant is not present in population databases (gnomAD no frequency). This sequence change affects a splice site in intron 10 of the SBF2 gene. It is expected to disrupt RNA splicing. Variants that disrupt the donor or acceptor splice site typically lead to a loss of protein function (PMID: 16199547), and loss-of-function variants in SBF2 are known to be pathogenic (PMID: 12687498, 25873783).

Literature cited by the submitters: PubMed 16199547; PubMed 12687498; PubMed 25873783.

NM_030962.4(SBF2):c.1054-15_1054-2del

Gene: SBF2 (SET binding factor 2; minus strand). Cytogenetic location: 11p15.4.
Variant type: Deletion.
Coding change: c.1054-15_1054-2del on transcript NM_030962.4 (MANE Select); 15 bases into the intron before coding-DNA position 1054 through the canonical splice acceptor site of the intron before coding-DNA position 1054, 14 bases deleted (TTCTTATATTTTTA).
Molecular consequence: splice acceptor variant.
Genome position (GRCh38, 1-based): chr11:9,993,105-9,993,118, TAAAAATATAAGAA deleted on the plus strand (TTCTTATATTTTTA on the coding strand, the reverse complement: SBF2 is on the minus strand). VCF-style (leftmost placement, unchanged base first): chr11-9993104-CTAAAAATATAAGAA-C. GRCh37 (hg19) VCF-style: chr11-10014651-CTAAAAATATAAGAA-C.
Other names: c.1090-15_1090-2del (NM_001424318.1); c.1054-15_1054-2del (NM_001386342.1, NM_001386339.1).
Identifiers: ClinVar variation 2750851 (VCV002750851.3), dbSNP rs2496112378, ClinGen allele CA2697548426.